The following is an entry in ClinVar:

NM_000444.6(PHEX):c.1525del (p.Thr509fs)

Gene: PHEX (phosphate regulating endopeptidase X-linked; plus strand). Cytogenetic location: Xp22.11.
Variant type: Deletion.
Coding change: c.1525del on transcript NM_000444.6 (MANE Select); coding-DNA position 1525, one base deleted (A; older notation c.1525delA).
Protein change: p.Thr509fs; shifts the reading frame from threonine 509.
Molecular consequence: frameshift variant.
Genome position (GRCh38, 1-based): chrX:22,178,315, A deleted; the last of 3 consecutive A bases (chrX:22,178,313-22,178,315); deleting any one gives the same sequence. VCF-style (leftmost placement, unchanged base first): chrX-22178312-CA-C. GRCh37 (hg19) VCF-style: chrX-22196429-CA-C.
Other names: c.1525del, p.Thr509fs (NM_001282754.2); short protein forms T509fs.
Identifiers: ClinVar variation 418829 (VCV000418829.6), dbSNP rs1064793461, ClinGen allele CA16621325.
Genomic context (GRCh38, chrX:22,178,312, plus strand): 5'-GTTGTGGTTTGTTTTATTCAGATCAAGTTTTCAGAAGCCGACTACTTTGGCAACGTCCTA[CA>C]AACTCGCAAGTATTTAGCACAGTCTGATTTCTTCTGGCTAAGAAAAGCCGTTCCAAAAAC-3'

ClinVar aggregate classification (germline): Pathogenic. Review status: criteria provided, multiple submitters, no conflicts (2 of 4 stars). 2 submissions from 2 submitters: Pathogenic (2). Last evaluated 2022-03-04.

Submissions (2):

Labcorp Genetics (formerly Invitae), Labcorp
Classification: Pathogenic. Last evaluated: 2022-03-04. Review status: criteria provided, single submitter. Criteria: Invitae Variant Classification Sherloc (09022015). Collection method: clinical testing. Allele origin: germline.
Comment: ClinVar contains an entry for this variant (Variation ID: 418829). This sequence change creates a premature translational stop signal (p.Thr509Leufs*5) in the PHEX gene. It is expected to result in an absent or disrupted protein product. Loss-of-function variants in PHEX are known to be pathogenic (PMID: 9097956, 9106524, 19219621). This variant is not present in population databases (gnomAD no frequency). This premature translational stop signal has been observed in individual(s) with clinical features of X-linked hypophosphatemic rickets (PMID: 9106524). This variant is also known as 1518A del. For these reasons, this variant has been classified as Pathogenic.

GeneDx
Classification: Pathogenic. Last evaluated: 2016-02-10. Review status: criteria provided, single submitter. Criteria: GeneDx Variant Classification (06012015). Collection method: clinical testing. Allele origin: germline. Affected: yes.
Comment: The c.1525delA pathogenic variant in the PHEX gene has been reported previously in associationwith X-linked hypophosphatemic rickets (Ichikawa et al., 2008; Holm et al., 1997). Using analternative reference sequence, Holm et al., reported this variant at c.1518 rather than c.1525. Thedeletion causes a frameshift starting with codon Threonine 509, changes this amino acid to a Leucineresidue and creates a premature Stop codon at position 5 of the new reading frame, denotedp.Thr509LeufsX5. This pathogenic variant is predicted to cause loss of normal protein function eitherthrough protein truncation or nonsense-mediated mRNA decay.

Literature cited by the submitters: PubMed 9097956 (cited by Labcorp Genetics (formerly Invitae), Labcorp); PubMed 9106524 (cited by Labcorp Genetics (formerly Invitae), Labcorp); PubMed 19219621 (cited by Labcorp Genetics (formerly Invitae), Labcorp).